The following is an entry in ClinVar:

NM_000038.6(APC):c.4847A>T (p.Lys1616Ile)

Gene: APC (APC regulator of Wnt signaling pathway; plus strand). Cytogenetic location: 5q22.2.
Variant type: single nucleotide variant.
Coding change: c.4847A>T on transcript NM_000038.6 (MANE Select); coding-DNA position 4847, A replaced by T.
Protein change: p.Lys1616Ile; replaces lysine 1616 with isoleucine.
Molecular consequence: missense variant.
Genome position (GRCh38, 1-based): chr5:112,840,441, A>T. VCF-style: chr5-112840441-A-T. GRCh37 (hg19) VCF-style: chr5-112176138-A-T.
Other names: c.4847A>T, p.Lys1616Ile (NM_001127510.3, NM_001354895.2); c.4793A>T, p.Lys1598Ile (NM_001127511.3); c.4901A>T, p.Lys1634Ile (NM_001354896.2); c.4877A>T, p.Lys1626Ile (NM_001354897.2); c.4772A>T, p.Lys1591Ile (NM_001354898.2); c.4763A>T, p.Lys1588Ile (NM_001354899.2); c.4724A>T, p.Lys1575Ile (NM_001354900.2); c.4670A>T, p.Lys1557Ile (NM_001354901.2); and 5 more; short protein forms K1598I, K1616I, K1490I, K1515I, K1525I, K1557I, K1591I, K1626I.
Identifiers: ClinVar variation 469979 (VCV000469979.22), dbSNP rs1554086241, ClinGen allele CA16031952.
Genomic context (GRCh38, chr5:112,840,441, plus strand): 5'-AGACTGCTTCAAAATTACCTCCACCTGTGGCAAGGAAACCAAGTCAGCTGCCTGTGTACA[A>T]ACTTCTACCATCACAAAACAGGTTGCAACCCCAAAAGCATGTTAGTTTTACACCGGGGGA-3'
Protein context (NP_000029.2, residues 1606-1626): ARKPSQLPVY[Lys1616Ile]LLPSQNRLQP

ClinVar aggregate classification (germline): Uncertain significance. Review status: criteria provided, multiple submitters, no conflicts (2 of 4 stars). 6 submissions from 6 submitters: Uncertain significance (6). Last evaluated 2025-07-27.

Conditions:
Classic or attenuated familial adenomatous polyposis. Identifiers: MedGen CN372698, MONDO:0021057.
Familial adenomatous polyposis 1 (FAP1). Also called: FAMILIAL ADENOMATOUS POLYPOSIS 1, ATTENUATED; POLYPOSIS, ADENOMATOUS INTESTINAL. Identifiers: MedGen C2713442, MONDO:0021056, OMIM 175100. Disease mechanism: loss of function.
Neoplasm of stomach. Also called: Neoplasm of the stomach; Gastric neoplasm; Stomach Neoplasms. Identifiers: MedGen C0038356, MONDO:0021085, HP:0006753. Disease mechanism: gain of function. Inheritance: Somatic mutation.
Desmoid disease, hereditary (DESMD). Also called: FIBROMATOSIS, FAMILIAL INFILTRATIVE. Identifiers: Orphanet 873, MedGen C1851124, OMIM 135290. Disease mechanism: loss of function.
Carcinoma of colon (CRC). Also called: Colon carcinoma; Colonic carcinoma. Identifiers: MedGen C0699790, MONDO:0002032.
Hepatocellular carcinoma (HCC). Also called: Primary carcinoma of liver; HEPATOMA; LIVER CELL CARCINOMA. Identifiers: Orphanet 88673, MedGen C2239176, MONDO:0007256, OMIM 114550, HP:0001402.
Hereditary cancer-predisposing syndrome. Also called: Hereditary neoplastic syndrome; Hereditary Cancer Syndrome; Tumor predisposition; Neoplastic Syndromes, Hereditary. Identifiers: Orphanet 140162, MedGen C0027672, MeSH D009386, MONDO:0015356.

Submissions (6):

Labcorp Genetics (formerly Invitae), Labcorp
Classification: Uncertain significance for Familial adenomatous polyposis 1. Last evaluated: 2025-07-27. Review status: criteria provided, single submitter. Criteria: Invitae Variant Classification Sherloc (09022015). Collection method: clinical testing. Allele origin: germline.
Comment: This sequence change replaces lysine, which is basic and polar, with isoleucine, which is neutral and non-polar, at codon 1616 of the APC protein (p.Lys1616Ile). This variant is not present in population databases (gnomAD no frequency). This variant has not been reported in the literature in individuals affected with APC-related conditions. ClinVar contains an entry for this variant (Variation ID: 469979). Invitae Evidence Modeling of protein sequence and biophysical properties (such as structural, functional, and spatial information, amino acid conservation, physicochemical variation, residue mobility, and thermodynamic stability) indicates that this missense variant is not expected to disrupt APC protein function with a negative predictive value of 95%. In summary, the available evidence is currently insufficient to determine the role of this variant in disease. Therefore, it has been classified as a Variant of Uncertain Significance.

Color Diagnostics, LLC DBA Color Health
Classification: Uncertain significance for Hereditary cancer-predisposing syndrome. Last evaluated: 2025-06-09. Review status: criteria provided, single submitter. Criteria: ACMG Guidelines, 2015. Collection method: clinical testing. Allele origin: germline.
Comment: This missense variant replaces lysine with isoleucine at codon 1616 of the APC protein. Computational prediction suggests that this variant may not impact protein structure and function. To our knowledge, functional studies have not been reported for this variant. This variant has not been reported in individuals affected with APC-related disorders in the literature. This variant has not been identified in the general population by the Genome Aggregation Database (gnomAD). The available evidence is insufficient to determine the role of this variant in disease conclusively. Therefore, this variant is classified as a Variant of Uncertain Significance.

Ambry Genetics
Classification: Uncertain significance for Hereditary cancer-predisposing syndrome. Last evaluated: 2025-03-25. Review status: criteria provided, single submitter. Criteria: Ambry Variant Classification Scheme 2023. Collection method: clinical testing. Allele origin: germline.
Comment: The p.K1616I variant (also known as c.4847A>T), located in coding exon 15 of the APC gene, results from an A to T substitution at nucleotide position 4847. The lysine at codon 1616 is replaced by isoleucine, an amino acid with dissimilar properties. This amino acid position is highly conserved in available vertebrate species. In addition, in silico predictors for this gene do not accurately predict pathogenicity. Missense alterations in APC are not a common cause of disease (Spier I et al. Genet Med. 2024 Feb;26(2):100992). Based on the available evidence, the clinical significance of this variant remains unclear.

GeneDx
Classification: Uncertain significance. Last evaluated: 2023-06-09. Review status: criteria provided, single submitter. Criteria: GeneDx Variant Classification Process June 2021. Collection method: clinical testing. Allele origin: germline. Affected: yes.
Comment: Not observed at significant frequency in large population cohorts (gnomAD); In silico analysis supports that this missense variant does not alter protein structure/function; Has not been previously published as pathogenic or benign to our knowledge; This variant is associated with the following publications: (PMID: 18199528)

All of Us Research Program, National Institutes of Health
Classification: Uncertain significance for Classic or attenuated familial adenomatous polyposis. Last evaluated: 2023-03-07. Review status: criteria provided, single submitter. Criteria: ACMG Guidelines, 2015. Collection method: clinical testing. Allele origin: germline. Inheritance: Autosomal dominant inheritance. Observed: 1 variant allele, 1 heterozygote.
Comment: This missense variant replaces lysine with isoleucine at codon 1616 of the APC protein. Computational prediction suggests that this variant may not impact protein structure and function (internally defined REVEL score threshold <= 0.5, PMID: 27666373). To our knowledge, functional studies have not been reported for this variant. This variant has not been reported in individuals affected with APC-related disorders in the literature. This variant has not been identified in the general population by the Genome Aggregation Database (gnomAD). The available evidence is insufficient to determine the role of this variant in disease conclusively. Therefore, this variant is classified as a Variant of Uncertain Significance.

This study involves interpretation of variants in research participants for the purpose of population health screening. Participant phenotype was not available at the time of variant classification. Additional details can be found in publication PMID: 35346344, PMCID: PMC8962531

Fulgent Genetics
Classification: Uncertain significance for Colorectal cancer; Hepatocellular carcinoma; Desmoid disease, hereditary; Familial adenomatous polyposis 1; Gastric cancer. Last evaluated: 2018-10-31. Review status: criteria provided, single submitter. Criteria: ACMG Guidelines, 2015. Collection method: clinical testing. Allele origin: unknown.